The following is an entry in ClinVar:

NM_005257.6(GATA6):c.862G>C (p.Gly288Arg)

Gene: GATA6 (GATA binding protein 6; plus strand). Cytogenetic location: 18q11.2.
Variant type: single nucleotide variant.
Coding change: c.862G>C on transcript NM_005257.6 (MANE Select); coding-DNA position 862, G replaced by C.
Protein change: p.Gly288Arg; replaces glycine 288 with arginine.
Molecular consequence: missense variant.
Genome position (GRCh38, 1-based): chr18:22,172,006, G>C. VCF-style: chr18-22172006-G-C. GRCh37 (hg19) VCF-style: chr18-19751967-G-C.
Other names: short protein forms G288R.
Identifiers: ClinVar variation 1052143 (VCV001052143.9), dbSNP rs1268789855, ClinGen allele CA401801153.

ClinVar aggregate classification (germline): Uncertain significance (1 of 4 stars; one submission).

Conditions:
Atrioventricular septal defect 5 (AVSD5). Identifiers: MedGen C3280939, MONDO:0013769, OMIM 614474.

Allele frequency attached by ClinVar (database versions not stated): gnomAD exomes below 0.00001.
gnomAD v4.1: 3 of 1,235,768 alleles (0.00024%); highest among the groups gnomAD compares: Non-Finnish European, 0.0002%; no homozygotes.

Submission:

Labcorp Genetics (formerly Invitae), Labcorp
Classification: Uncertain significance for Atrioventricular septal defect 5. Last evaluated: 2020-02-19. Review status: criteria provided, single submitter. Criteria: Invitae Variant Classification Sherloc (09022015). Collection method: clinical testing. Allele origin: germline.
Comment: This sequence change replaces glycine with arginine at codon 288 of the GATA6 protein (p.Gly288Arg). The glycine residue is weakly conserved and there is a moderate physicochemical difference between glycine and arginine. The frequency data for this variant in the population databases is considered unreliable, as metrics indicate insufficient coverage at this position in the ExAC database. This variant has not been reported in the literature in individuals with GATA6-related conditions. Algorithms developed to predict the effect of missense changes on protein structure and function output the following: SIFT: "Tolerated"; PolyPhen-2: "Benign"; Align-GVGD: "Class C0". The arginine amino acid residue is found in multiple mammalian species, suggesting that this missense change does not adversely affect protein function. These predictions have not been confirmed by published functional studies and their clinical significance is uncertain. In summary, the available evidence is currently insufficient to determine the role of this variant in disease. Therefore, it has been classified as a Variant of Uncertain Significance.